The following is an entry in ClinVar:

ClinVar aggregate classification (germline): Likely benign (1 of 4 stars; one submission).

Submission:

CeGaT Center for Human Genetics Tuebingen
Classification: Likely benign. Last evaluated: 2024-07-01. Review status: criteria provided, single submitter. Criteria: CeGaT Center For Human Genetics Tuebingen Variant Classification Criteria Version 2. Collection method: clinical testing. Allele origin: germline. Affected: yes. Observed: 1 variant allele.
Comment: KIF21A: PM2:Supporting, BP4, BP7

NM_001173464.2(KIF21A):c.3336A>G (p.Pro1112=)

Gene: KIF21A (kinesin family member 21A; minus strand). Cytogenetic location: 12q12.
Variant type: single nucleotide variant.
Coding change: c.3336A>G on transcript NM_001173464.2 (MANE Select); coding-DNA position 3336, A replaced by G.
Protein change: p.Pro1112=; no amino-acid change (proline 1112 retained).
Molecular consequence: synonymous variant. On other transcripts: intron variant (1).
Genome position (GRCh38, 1-based): chr12:39,330,246, T>C on the plus strand (A>G on the coding strand, the complement: KIF21A is on the minus strand). VCF-style: chr12-39330246-T-C. GRCh37 (hg19) VCF-style: chr12-39724048-T-C.
Other names: c.3228A>G, p.Pro1076= (NM_001173465.2); c.3336A>G, p.Pro1112= (NM_001378439.1, NM_001378440.1); c.3297A>G, p.Pro1099= (NM_001378441.1, NM_017641.4); c.3280+500A>G (NM_001173463.2).
Identifiers: ClinVar variation 3257407 (VCV003257407.17).